The following is an entry in ClinVar:

NM_000787.4(DBH):c.337G>T (p.Ala113Ser)

Gene: DBH (dopamine beta-hydroxylase; plus strand). Cytogenetic location: 9q34.2.
Variant type: single nucleotide variant.
Coding change: c.337G>T on transcript NM_000787.4 (MANE Select); coding-DNA position 337, G replaced by T.
Protein change: p.Ala113Ser; replaces alanine 113 with serine.
Molecular consequence: missense variant.
Genome position (GRCh38, 1-based): chr9:133,636,708, G>T. VCF-style: chr9-133636708-G-T. GRCh37 (hg19) VCF-style: chr9-136501830-G-T.
Other names: c.337G>T (NM_000787.3); short protein forms A113S.
Identifiers: ClinVar variation 2149424 (VCV002149424.5), dbSNP rs368339648, ClinGen allele CA5313013.

ClinVar aggregate classification (germline): Uncertain significance. Review status: criteria provided, multiple submitters, no conflicts (2 of 4 stars). 2 submissions from 2 submitters: Uncertain significance (2). Last evaluated 2022-06-24.

Conditions:
Inborn genetic diseases. Identifiers: MedGen C0950123, MeSH D030342.
Orthostatic hypotension 1 (ORTHYP1). Also called: NORADRENALINE DEFICIENCY; NOREPINEPHRINE DEFICIENCY; Dopamine beta-hydroxylase deficiency; Orthostatic hypotension 1, due to DBH deficiency. Identifiers: Orphanet 230, MedGen C4746777, MONDO:0009123, OMIM 223360.

Allele frequency attached by ClinVar (database versions not stated): TOPMed 0.00001; gnomAD exomes 0.00002; gnomAD 0.00003; ExAC 0.00006; 1000 Genomes Project 0.00040; 1000 Genomes Project 30x 0.00047.

Submissions (2):

Ambry Genetics
Classification: Uncertain significance for Inborn genetic diseases. Last evaluated: 2022-06-24. Review status: criteria provided, single submitter. Criteria: Ambry Variant Classification Scheme 2023. Collection method: clinical testing. Allele origin: germline.

Labcorp Genetics (formerly Invitae), Labcorp
Classification: Uncertain significance for Orthostatic hypotension 1. Last evaluated: 2022-05-14. Review status: criteria provided, single submitter. Criteria: Invitae Variant Classification Sherloc (09022015). Collection method: clinical testing. Allele origin: germline.
Comment: In summary, the available evidence is currently insufficient to determine the role of this variant in disease. Therefore, it has been classified as a Variant of Uncertain Significance. Algorithms developed to predict the effect of missense changes on protein structure and function (SIFT, PolyPhen-2, Align-GVGD) all suggest that this variant is likely to be tolerated. This variant has not been reported in the literature in individuals affected with DBH-related conditions. This variant is present in population databases (rs368339648, gnomAD 0.05%). This sequence change replaces alanine, which is neutral and non-polar, with serine, which is neutral and polar, at codon 113 of the DBH protein (p.Ala113Ser).